The following is an entry in ClinVar:

ClinVar aggregate classification (germline): Uncertain significance (1 of 4 stars; one submission).

Conditions:
Hereditary cancer-predisposing syndrome. Also called: Hereditary Cancer Syndrome; Hereditary neoplastic syndrome; Neoplastic Syndromes, Hereditary; Tumor predisposition. Identifiers: Orphanet 140162, MedGen C0027672, MeSH D009386, MONDO:0015356.

Submission:

Ambry Genetics
Classification: Uncertain significance for Hereditary cancer-predisposing syndrome. Last evaluated: 2021-07-16. Review status: criteria provided, single submitter. Criteria: Ambry Variant Classification Scheme 2023. Collection method: clinical testing. Allele origin: germline.
Comment: The p.P489S variant (also known as c.1465C>T), located in coding exon 4 of the MSH6 gene, results from a C to T substitution at nucleotide position 1465. The proline at codon 489 is replaced by serine, an amino acid with similar properties. This amino acid position is highly conserved in available vertebrate species. In addition, this alteration is predicted to be deleterious by in silico analysis. Since supporting evidence is limited at this time, the clinical significance of this alteration remains unclear.

NM_000179.3(MSH6):c.1465C>T (p.Pro489Ser)

Gene: MSH6 (mutS homolog 6; plus strand). Cytogenetic location: 2p16.3.
Variant type: single nucleotide variant.
Coding change: c.1465C>T on transcript NM_000179.3 (MANE Select); coding-DNA position 1465, C replaced by T.
Protein change: p.Pro489Ser; replaces proline 489 with serine.
Molecular consequence: missense variant.
Genome position (GRCh38, 1-based): chr2:47,799,448, C>T. VCF-style: chr2-47799448-C-T. GRCh37 (hg19) VCF-style: chr2-48026587-C-T.
Other names: c.1075C>T, p.Pro359Ser (NM_001281492.2); c.559C>T, p.Pro187Ser (NM_001281493.2, NM_001281494.2, NM_001406811.1 and 6 more transcripts); c.1561C>T, p.Pro521Ser (NM_001406795.1, NM_001406802.1); c.1465C>T, p.Pro489Ser (NM_001406796.1, NM_001406798.1, NM_001406800.1 and 4 more transcripts); c.1168C>T, p.Pro390Ser (NM_001406797.1, NM_001406801.1, NM_001406805.1 and 10 more transcripts); c.940C>T, p.Pro314Ser (NM_001406799.1, NM_001406806.1, NM_001406807.1); c.1387C>T, p.Pro463Ser (NM_001406804.1); c.1471C>T, p.Pro491Ser (NM_001406813.1); and 1 more; short protein forms P187S, P463S, P489S, P521S, P359S, P390S, P433S, P491S.
Identifiers: ClinVar variation 1773239 (VCV001773239.2), dbSNP rs1553412879, ClinGen allele CA346745833.